The following is an entry in ClinVar:

NM_005337.5(NCKAP1L):c.1479+5T>A

Gene: NCKAP1L (NCK associated protein 1 like; plus strand). Cytogenetic location: 12q13.2.
Variant type: single nucleotide variant.
Coding change: c.1479+5T>A on transcript NM_005337.5 (MANE Select); 5 bases into the intron after coding-DNA position 1479, T replaced by A.
Molecular consequence: intron variant.
Genome position (GRCh38, 1-based): chr12:54,518,977, T>A. VCF-style: chr12-54518977-T-A. GRCh37 (hg19) VCF-style: chr12-54912761-T-A.
Other names: c.1329+5T>A (NM_001184976.2).
Identifiers: ClinVar variation 2807355 (VCV002807355.3), dbSNP rs1956957345, ClinGen allele CA2037481106.

ClinVar aggregate classification (germline): Uncertain significance (1 of 4 stars; one submission).

Allele frequency attached by ClinVar (database versions not stated): TOPMed below 0.00001.

Submission:

Labcorp Genetics (formerly Invitae), Labcorp
Classification: Uncertain significance. Last evaluated: 2023-10-26. Review status: criteria provided, single submitter. Criteria: Invitae Variant Classification Sherloc (09022015). Collection method: clinical testing. Allele origin: germline.
Comment: This sequence change falls in intron 15 of the NCKAP1L gene. It does not directly change the encoded amino acid sequence of the NCKAP1L protein. It affects a nucleotide within the consensus splice site. This variant is not present in population databases (gnomAD no frequency). This variant has not been reported in the literature in individuals affected with NCKAP1L-related conditions. Variants that disrupt the consensus splice site are a relatively common cause of aberrant splicing (PMID: 17576681, 9536098). Algorithms developed to predict the effect of sequence changes on RNA splicing suggest that this variant is not likely to affect RNA splicing. In summary, the available evidence is currently insufficient to determine the role of this variant in disease. Therefore, it has been classified as a Variant of Uncertain Significance.

Literature cited by the submitters: PubMed 17576681; PubMed 9536098.